The following is an entry in ClinVar:

NM_015330.6(SPECC1L):c.1167T>G (p.Ser389Arg)

Genes: SPECC1L (sperm antigen with calponin homology and coiled-coil domains 1 like; plus strand), SPECC1L-ADORA2A (SPECC1L-ADORA2A readthrough (NMD candidate); plus strand). Cytogenetic location: 22q11.23.
Variant type: single nucleotide variant.
Coding change: c.1167T>G on transcript NM_015330.6 (MANE Select); coding-DNA position 1167, T replaced by G.
Protein change: p.Ser389Arg; replaces serine 389 with arginine.
Molecular consequence: missense variant. On other transcripts: non-coding transcript variant (1).
Genome position (GRCh38, 1-based): chr22:24,322,147, T>G. VCF-style: chr22-24322147-T-G. GRCh37 (hg19) VCF-style: chr22-24718115-T-G.
Other names: c.1167T>G (NM_015330.2); c.1167T>G, p.Ser389Arg (NM_001145468.4, NM_001254732.3); short protein forms S389R.
Identifiers: ClinVar variation 3343682 (VCV003343682.3).
Genomic context (GRCh38, chr22:24,322,147, plus strand): 5'-AGAGTCGGAAGGCATCCCCAGCATAGAGCGCTCCCGGAAGGGGAGCAGCGGGAATGCCAG[T>G]GAAGTGTCCGTGGCTTGCCTGACTGAACGGATACACCAGATGGAAGAGAACCAACACAGT-3'
Protein context (NP_056145.5, residues 379-399): RSRKGSSGNA[Ser389Arg]EVSVACLTER

ClinVar aggregate classification (germline): Uncertain significance. Review status: criteria provided, multiple submitters, no conflicts (2 of 4 stars). 3 submissions from 3 submitters: Uncertain significance (3). Last evaluated 2025-05-18.

Conditions:
Inborn genetic diseases. Identifiers: MedGen C0950123, MeSH D030342.

gnomAD v4.1: 3 of 1,613,928 alleles (0.00019%); highest among the groups gnomAD compares: African/African-American, 0.0027%; no homozygotes.

Submissions (3):

Labcorp Genetics (formerly Invitae), Labcorp
Classification: Uncertain significance. Last evaluated: 2025-05-18. Review status: criteria provided, single submitter. Criteria: Invitae Variant Classification Sherloc (09022015). Collection method: clinical testing. Allele origin: germline.
Comment: This sequence change replaces serine, which is neutral and polar, with arginine, which is basic and polar, at codon 389 of the SPECC1L protein (p.Ser389Arg). This variant is not present in population databases (gnomAD no frequency). This variant has not been reported in the literature in individuals affected with SPECC1L-related conditions. ClinVar contains an entry for this variant (Variation ID: 3343682). Invitae Evidence Modeling of protein sequence and biophysical properties (such as structural, functional, and spatial information, amino acid conservation, physicochemical variation, residue mobility, and thermodynamic stability) has been performed for this missense variant. However, the output from this modeling did not meet the statistical confidence thresholds required to predict the impact of this variant on SPECC1L protein function. In summary, the available evidence is currently insufficient to determine the role of this variant in disease. Therefore, it has been classified as a Variant of Uncertain Significance.

Ambry Genetics
Classification: Uncertain significance for Inborn genetic diseases. Last evaluated: 2024-07-08. Review status: criteria provided, single submitter. Criteria: Ambry Variant Classification Scheme 2023. Collection method: clinical testing. Allele origin: germline.

GeneDx
Classification: Uncertain significance. Last evaluated: 2023-05-18. Review status: criteria provided, single submitter. Criteria: GeneDx Variant Classification Process June 2021. Collection method: clinical testing. Allele origin: germline. Affected: yes.
Comment: Not observed at significant frequency in large population cohorts (gnomAD); In silico analysis supports that this missense variant has a deleterious effect on protein structure/function; Has not been previously published as pathogenic or benign to our knowledge